The following is an entry in ClinVar:

ClinVar aggregate classification (germline): Uncertain significance (1 of 4 stars; one submission).

Conditions:
Early-infantile DEE. Also called: Early infantile epileptic encephalopathy; Early infantile epileptic encephalopathy with suppression bursts; Ohtahara syndrome. Identifiers: Orphanet 1934, MedGen C0393706, MONDO:0800491.

Submission:

Labcorp Genetics (formerly Invitae), Labcorp
Classification: Uncertain significance for Early-infantile DEE. Last evaluated: 2024-05-15. Review status: criteria provided, single submitter. Criteria: Invitae Variant Classification Sherloc (09022015). Collection method: clinical testing. Allele origin: germline.
Comment: This sequence change falls in intron 20 of the SCN1A gene. It does not directly change the encoded amino acid sequence of the SCN1A protein. However, this sequence change falls within a region encompassing a cryptic exon in the SCN1A gene, in which variants have been shown to alter splicing (PMID: 30526861, 34107977). This variant is not present in population databases (gnomAD no frequency). This variant has not been reported in the literature in individuals affected with SCN1A-related conditions. Algorithms developed to predict the effect of sequence changes on RNA splicing suggest that this variant is not likely to affect RNA splicing. In summary, the available evidence is currently insufficient to determine the role of this variant in disease. Therefore, it has been classified as a Variant of Uncertain Significance.

Literature cited by the submitters: PubMed 30526861; PubMed 34107977.

NM_001165963.4(SCN1A):c.4002+2421T>C

Genes: SCN1A (sodium voltage-gated channel alpha subunit 1; minus strand), LOC102724058 (uncharacterized LOC102724058; plus strand). Cytogenetic location: 2q24.3.
Variant type: single nucleotide variant.
Coding change: c.4002+2421T>C on transcript NM_001165963.4 (MANE Select); 2421 bases into the intron after coding-DNA position 4002, T replaced by C.
Molecular consequence: intron variant.
Genome position (GRCh38, 1-based): chr2:166,007,298, A>G on the plus strand (T>C on the coding strand, the complement: SCN1A is on the minus strand). VCF-style: chr2-166007298-A-G. GRCh37 (hg19) VCF-style: chr2-166863808-A-G.
Other names: c.3969+2421T>C (NM_001353949.2, NM_001353950.2, NM_001353951.2 and 2 more transcripts); c.3918+2421T>C (NM_001353958.2, NM_001353957.2, NM_001165964.3); c.4002+2421T>C (NM_001202435.3, NM_001353948.2); c.3966+2421T>C (NM_001353955.2, NM_001353954.2); c.3915+2421T>C (NM_001353960.2); c.1560+2421T>C (NM_001353961.2).
Identifiers: ClinVar variation 2814869 (VCV002814869.3), dbSNP rs2468471647, ClinGen allele CA2739271472.